The following is an entry in ClinVar:

ClinVar aggregate classification (germline): Uncertain significance (1 of 4 stars; one submission).

Conditions:
Candidiasis, familial, 8 (CANDF8). Identifiers: Orphanet 1334, MedGen C3714992, MONDO:0014230, OMIM 615527.

Submission:

Labcorp Genetics (formerly Invitae), Labcorp
Classification: Uncertain significance for Candidiasis, familial, 8. Last evaluated: 2024-01-22. Review status: criteria provided, single submitter. Criteria: Invitae Variant Classification Sherloc (09022015). Collection method: clinical testing. Allele origin: germline.
Comment: This sequence change replaces arginine, which is basic and polar, with threonine, which is neutral and polar, at codon 330 of the TRAF3IP2 protein (p.Arg330Thr). This variant is present in population databases (no rsID available, gnomAD no frequency). This variant has not been reported in the literature in individuals affected with TRAF3IP2-related conditions. Advanced modeling of protein sequence and biophysical properties (such as structural, functional, and spatial information, amino acid conservation, physicochemical variation, residue mobility, and thermodynamic stability) performed at Invitae indicates that this missense variant is not expected to disrupt TRAF3IP2 protein function with a negative predictive value of 80%. In summary, the available evidence is currently insufficient to determine the role of this variant in disease. Therefore, it has been classified as a Variant of Uncertain Significance.

NM_147686.4(TRAF3IP2):c.989G>C (p.Arg330Thr)

Genes: TRAF3IP2 (TRAF3 interacting protein 2; minus strand), TRAF3IP2-AS1 (TRAF3IP2 antisense RNA 1; plus strand). Cytogenetic location: 6q21.
Variant type: single nucleotide variant.
Coding change: c.989G>C on transcript NM_147686.4 (MANE Select); coding-DNA position 989, G replaced by C.
Protein change: p.Arg330Thr; replaces arginine 330 with threonine.
Molecular consequence: missense variant.
Genome position (GRCh38, 1-based): chr6:111,580,230, C>G on the plus strand (G>C on the coding strand, the complement: TRAF3IP2 is on the minus strand). VCF-style: chr6-111580230-C-G. GRCh37 (hg19) VCF-style: chr6-111901433-C-G.
Other names: c.989G>C, p.Arg330Thr (NM_001164281.3); c.1016G>C, p.Arg339Thr (NM_147200.3); short protein forms R339T, R330T.
Identifiers: ClinVar variation 2785552 (VCV002785552.3), dbSNP rs1279120403, ClinGen allele CA365362942.
Genomic context (GRCh38, chr6:111,580,230, plus strand): 5'-CCTGAAGGTTGGGCCTGTCATACTTACTGGTGCCTTGGAAGCCCCGGAAAGGAGCAGTCT[C>G]TCTGTGCGGGCCTCTCTTCGTGGTCCCAGGGGCTGGGATAATTCAGGATAACCTTCTGCA-3'
Protein context (NP_679211.2, residues 320-340): PWDHEERPAQ[Arg330Thr]DCSFPGLPRH